The following is an entry in ClinVar:

NM_001148.6(ANK2):c.2474C>T (p.Thr825Ile)

Gene: ANK2 (ankyrin 2; plus strand). Cytogenetic location: 4q26.
Variant type: single nucleotide variant.
Coding change: c.2474C>T on transcript NM_001148.6 (MANE Select); coding-DNA position 2474, C replaced by T.
Protein change: p.Thr825Ile; replaces threonine 825 with isoleucine.
Molecular consequence: missense variant.
Genome position (GRCh38, 1-based): chr4:113,293,537, C>T. VCF-style: chr4-113293537-C-T. GRCh37 (hg19) VCF-style: chr4-114214693-C-T.
Other names: c.2411C>T, p.Thr804Ile (NM_001127493.3, NM_001354239.2, NM_001354243.2 and 10 more transcripts); c.2474C>T, p.Thr825Ile (NM_001354225.2, NM_001354228.2, NM_001354232.2 and 6 more transcripts); c.2519C>T, p.Thr840Ile (NM_001354230.2, NM_001354231.2, NM_001354237.2 and 5 more transcripts); c.2375C>T, p.Thr792Ile (NM_001354245.2, NM_001354268.2); c.2387C>T, p.Thr796Ile (NM_001354249.2, NM_001354264.2, NM_001354266.2 and 10 more transcripts); c.2312C>T, p.Thr771Ile (NM_001354253.2, NM_001354257.2, NM_001354270.2 and 1 more transcripts); c.2288C>T, p.Thr763Ile (NM_001354260.2, NM_001354271.2, NM_001386151.1); c.2432C>T, p.Thr811Ile (NM_001354261.2, NM_001386147.1, NM_001386160.1); and 9 more; short protein forms T804I, T825I, T730I, T755I, T792I, T811I, T763I, T34I.
Identifiers: ClinVar variation 191401 (VCV000191401.1), dbSNP rs786205420, ClinGen allele CA204248.

ClinVar aggregate classification (germline): Uncertain significance. Review status: criteria provided, single submitter (1 of 4 stars). 2 submissions from 2 submitters: Uncertain significance (1). 1 of the submissions does not count toward it. Last evaluated 2013-06-24.

Conditions:
Long QT syndrome (LQTS). Identifiers: MedGen C0023976, MeSH D008133, MONDO:0002442. Disease mechanism: loss of function. Inheritance: Various modes of inheritance.

Allele frequency attached by ClinVar (database versions not stated): gnomAD exomes 0.00001.
gnomAD v4.1: 13 of 1,610,984 alleles (0.00081%); highest among the groups gnomAD compares: East Asian, 0.029%; no homozygotes.

Submissions (2):

Biesecker Lab/Clinical Genomics Section, National Institutes of Health
Classification: Uncertain significance. Last evaluated: 2013-06-24. Review status: criteria provided, single submitter. Criteria: Ng et al. (Circ Cardiovasc Genet. 2013). Collection method: research. Allele origin: unknown. Observed: 1 variant allele. Study: ClinSeq.
Comment: The study set was not selected for affection status in relation to any cancer. Pathogenicity categories were based on literature curation. See Pubmed ID:23861362 for details.

Medical sequencing

Medical Research Institute, Tokyo Medical and Dental University
Classification: Likely pathogenic for Long QT syndrome. Review status: no assertion criteria provided. Collection method: research. Allele origin: germline. Affected: yes. Not counted in ClinVar's aggregate classification.

Literature cited by the submitters: PubMed 26132555 (cited by Medical Research Institute, Tokyo Medical and Dental University).